The following is an entry in ClinVar:

NM_000426.4(LAMA2):c.9148A>C (p.Ser3050Arg)

Gene: LAMA2 (laminin subunit alpha 2; plus strand). Cytogenetic location: 6q22.33.
Variant type: single nucleotide variant.
Coding change: c.9148A>C on transcript NM_000426.4 (MANE Select); coding-DNA position 9148, A replaced by C.
Protein change: p.Ser3050Arg; replaces serine 3050 with arginine.
Molecular consequence: missense variant.
Genome position (GRCh38, 1-based): chr6:129,514,532, A>C. VCF-style: chr6-129514532-A-C. GRCh37 (hg19) VCF-style: chr6-129835677-A-C.
Other names: p.Ser3050Arg; c.9136A>C, p.Ser3046Arg (NM_001079823.2); short protein forms S3046R, S3050R.
Identifiers: ClinVar variation 1901989 (VCV001901989.6), dbSNP rs1786874504, ClinGen allele CA365637033.

ClinVar aggregate classification (germline): Uncertain significance. Review status: criteria provided, multiple submitters, no conflicts (2 of 4 stars). 2 submissions from 2 submitters: Uncertain significance (2). Last evaluated 2025-07-09.

Conditions:
LAMA2-related muscular dystrophy (LAMA2-RD). Also called: Laminin alpha 2-related dystrophy. Identifiers: MedGen C5679788, MONDO:0100228.

Allele frequency attached by ClinVar (database versions not stated): gnomAD exomes below 0.00001; TOPMed below 0.00001.
gnomAD v4.1: 1 of 1,614,204 alleles (0.000062%); highest among the groups gnomAD compares: Admixed American, 0.0017%; no homozygotes.

Submissions (2):

Mayo Clinic Laboratories, Mayo Clinic
Classification: Uncertain significance. Last evaluated: 2025-07-09. Review status: criteria provided, single submitter. Criteria: ACMG Guidelines, 2015. Collection method: clinical testing. Allele origin: germline. Observed: 1 variant allele.
Comment: PM2_supporting

Labcorp Genetics (formerly Invitae), Labcorp
Classification: Uncertain significance for LAMA2-related muscular dystrophy. Last evaluated: 2024-11-18. Review status: criteria provided, single submitter. Criteria: Invitae Variant Classification Sherloc (09022015). Collection method: clinical testing. Allele origin: germline.
Comment: This sequence change replaces serine, which is neutral and polar, with arginine, which is basic and polar, at codon 3050 of the LAMA2 protein (p.Ser3050Arg). This variant is not present in population databases (gnomAD no frequency). This variant has not been reported in the literature in individuals affected with LAMA2-related conditions. ClinVar contains an entry for this variant (Variation ID: 1901989). Invitae Evidence Modeling of protein sequence and biophysical properties (such as structural, functional, and spatial information, amino acid conservation, physicochemical variation, residue mobility, and thermodynamic stability) indicates that this missense variant is not expected to disrupt LAMA2 protein function with a negative predictive value of 95%. In summary, the available evidence is currently insufficient to determine the role of this variant in disease. Therefore, it has been classified as a Variant of Uncertain Significance.